The following is an entry in ClinVar:

ClinVar aggregate classification (germline): Pathogenic (1 of 4 stars; one submission).

Conditions:
Hereditary cancer-predisposing syndrome. Also called: Hereditary Cancer Syndrome; Hereditary neoplastic syndrome; Tumor predisposition; Neoplastic Syndromes, Hereditary. Identifiers: Orphanet 140162, MedGen C0027672, MeSH D009386, MONDO:0015356.

Submission:

Ambry Genetics
Classification: Pathogenic for Hereditary cancer-predisposing syndrome. Last evaluated: 2014-07-09. Review status: criteria provided, single submitter. Criteria: Ambry Variant Classification Scheme 2023. Collection method: clinical testing. Allele origin: germline.
Comment: The c.2329_2341del13 pathogenic mutation, located in coding exon 15 of the CDH1 gene, results from a deletion of 13 nucleotides at nucleotide positions 2329 to 2341, causing a translational frameshift with a predicted alternate stop codon (p.D777Kfs*2 ). This alteration is expected to result in loss of function by premature protein truncation or nonsense-mediated mRNA decay. As such, this alteration is interpreted as a disease-causing mutation.

NM_004360.5(CDH1):c.2329_2341del (p.Asp777fs)

Gene: CDH1 (cadherin 1; plus strand). Cytogenetic location: 16q22.1.
Variant type: Deletion.
Coding change: c.2329_2341del on transcript NM_004360.5 (MANE Select); coding-DNA positions 2329 to 2341, 13 bases deleted (GACGCTCGGCCTG).
Protein change: p.Asp777fs; shifts the reading frame from aspartic acid 777.
Molecular consequence: frameshift variant.
Genome position (GRCh38, 1-based): chr16:68,829,687-68,829,699, GACGCTCGGCCTG deleted; deleting any 13 consecutive bases within chr16:68,829,681-68,829,699 gives the same sequence; the c. name uses the placement nearest the transcript's 3' end. VCF-style (leftmost placement, unchanged base first): chr16-68829680-GGGCCTGGACGCTC-G. GRCh37 (hg19) VCF-style: chr16-68863583-GGGCCTGGACGCTC-G.
Other names: c.2146_2158del, p.Asp716fs (NM_001317184.2); c.781_793del, p.Asp261fs (NM_001317185.2); c.364_376del, p.Asp122fs (NM_001317186.2); c.2329_2341del13 (NM_004360.3); short protein forms D716fs, D122fs, D261fs, D777fs.
Identifiers: ClinVar variation 1789681 (VCV001789681.2), dbSNP rs2543956876, ClinGen allele CA2580092039.
Genomic context (GRCh38, chr16:68,829,680, plus strand): 5'-CTCTTCATTGTACTTCAACCTTTTTTCTCCAAAGGACTTTGACTTGAGCCAGCTGCACAG[GGGCCTGGACGCTC>G]GGCCTGAAGTGACTCGTAACGACGTTGCACCAACCCTCATGAGTGTCCCCCGGTATCTTC-3'